The following is an entry in ClinVar:

ClinVar aggregate classification (germline): Uncertain significance (1 of 4 stars; one submission).

Conditions:
Inborn genetic diseases. Identifiers: MedGen C0950123, MeSH D030342.

Submission:

Ambry Genetics
Classification: Uncertain significance for Inborn genetic diseases. Last evaluated: 2026-05-20. Review status: criteria provided, single submitter. Criteria: Ambry Variant Classification Scheme 2023. Collection method: clinical testing. Allele origin: germline.
Comment: The p.R233L variant (also known as c.698G>T), located in coding exon 6 of the RUNX1 gene, results from a G to T substitution at nucleotide position 698. The arginine at codon 233 is replaced by leucine, an amino acid with dissimilar properties. This amino acid position is highly conserved in available vertebrate species. In addition, this alteration is predicted to be deleterious by in silico analysis. Based on the available evidence, the clinical significance of this variant remains unclear.

NM_001754.5(RUNX1):c.698G>T (p.Arg233Leu)

Gene: RUNX1 (RUNX family transcription factor 1; minus strand). Cytogenetic location: 21q22.12.
Variant type: single nucleotide variant.
Coding change: c.698G>T on transcript NM_001754.5 (MANE Select); coding-DNA position 698, G replaced by T.
Protein change: p.Arg233Leu; replaces arginine 233 with leucine.
Molecular consequence: missense variant.
Genome position (GRCh38, 1-based): chr21:34,834,517, C>A on the plus strand (G>T on the coding strand, the complement: RUNX1 is on the minus strand). VCF-style: chr21-34834517-C-A. GRCh37 (hg19) VCF-style: chr21-36206814-C-A.
Other names: c.617G>T, p.Arg206Leu (NM_001001890.3, NM_001122607.2); short protein forms R206L, R233L.
Identifiers: ClinVar variation 4863655 (VCV004863655.1).